The following is an entry in ClinVar:

NM_001085487.3(MYSM1):c.2299C>T (p.Arg767Trp)

Gene: MYSM1 (Myb like, SWIRM and MPN domains 1; minus strand). Cytogenetic location: 1p32.1.
Variant type: single nucleotide variant.
Coding change: c.2299C>T on transcript NM_001085487.3 (MANE Select); coding-DNA position 2299, C replaced by T.
Protein change: p.Arg767Trp; replaces arginine 767 with tryptophan.
Molecular consequence: missense variant.
Genome position (GRCh38, 1-based): chr1:58,661,199, G>A on the plus strand (C>T on the coding strand, the complement: MYSM1 is on the minus strand). VCF-style: chr1-58661199-G-A. GRCh37 (hg19) VCF-style: chr1-59126871-G-A.
Other names: short protein forms R767W.
Identifiers: ClinVar variation 1363502 (VCV001363502.6), dbSNP rs751323277, ClinGen allele CA877551.

ClinVar aggregate classification (germline): Uncertain significance (1 of 4 stars; one submission).

Submission:

Labcorp Genetics (formerly Invitae), Labcorp
Classification: Uncertain significance. Last evaluated: 2021-09-10. Review status: criteria provided, single submitter. Criteria: Invitae Variant Classification Sherloc (09022015). Collection method: clinical testing. Allele origin: germline.
Comment: This sequence change replaces arginine with tryptophan at codon 767 of the MYSM1 protein (p.Arg767Trp). The arginine residue is moderately conserved and there is a moderate physicochemical difference between arginine and tryptophan. This variant is present in population databases (rs751323277, ExAC 0.006%). This variant has not been reported in the literature in individuals affected with MYSM1-related conditions. Algorithms developed to predict the effect of missense changes on protein structure and function are either unavailable or do not agree on the potential impact of this missense change (SIFT: "Deleterious"; PolyPhen-2: "Benign"; Align-GVGD: "Class C15"). In summary, the available evidence is currently insufficient to determine the role of this variant in disease. Therefore, it has been classified as a Variant of Uncertain Significance.